The following is an entry in ClinVar:

NM_001080467.3(MYO5B):c.2076T>C (p.Ala692=)

Gene: MYO5B (myosin VB; minus strand). Cytogenetic location: 18q21.1.
Variant type: single nucleotide variant.
Coding change: c.2076T>C on transcript NM_001080467.3 (MANE Select); coding-DNA position 2076, T replaced by C.
Protein change: p.Ala692=; no amino-acid change (alanine 692 retained).
Molecular consequence: synonymous variant.
Genome position (GRCh38, 1-based): chr18:49,929,526, A>G on the plus strand (T>C on the coding strand, the complement: MYO5B is on the minus strand). VCF-style: chr18-49929526-A-G. GRCh37 (hg19) VCF-style: chr18-47455896-A-G.
Identifiers: ClinVar variation 327052 (VCV000327052.40), dbSNP rs200559863, ClinGen allele CA8961242.

ClinVar aggregate classification (germline): Benign/Likely benign. Review status: criteria provided, multiple submitters, no conflicts (2 of 4 stars). 5 submissions from 5 submitters: Benign (1); Likely benign (4). Last evaluated 2026-02-01.

Conditions:
Congenital microvillous atrophy (DIAR2). Also called: CONGENITAL FAMILIAL PROTRACTED DIARRHEA WITH ENTEROCYTE BRUSH-BORDER ABNORMALITIES; DAVIDSON DISEASE; Microvillus inclusion disease; Diarrhea 2 with microvillus atrophy, with or without cholestasis; MICROVILLUS ATROPHY, CONGENITAL. Identifiers: Orphanet 2290, MedGen C0341306, MONDO:0009635, OMIM 251850.
Cholestasis, progressive familial intrahepatic, 10 (PFIC10). Identifiers: MedGen C5676981, MONDO:0030810, OMIM 619868.

Allele frequency attached by ClinVar (database versions not stated): gnomAD 0.00470 and 0.00484; gnomAD exomes 0.00540 and 0.00660; ESP Exome Variant Server 0.00569; ExAC 0.00729; 1000 Genomes Project 30x 0.00265; 1000 Genomes Project 0.00280; TOPMed 0.00441.
gnomAD v4.1: 10,315 of 1,608,236 alleles (0.64%); highest among the groups gnomAD compares: Middle Eastern, 0.87%; 38 homozygotes.

Submissions (5):

Labcorp Genetics (formerly Invitae), Labcorp
Classification: Benign. Last evaluated: 2026-02-01. Review status: criteria provided, single submitter. Criteria: Invitae Variant Classification Sherloc (09022015). Collection method: clinical testing. Allele origin: germline.

CeGaT Center for Human Genetics Tuebingen
Classification: Likely benign. Last evaluated: 2025-10-01. Review status: criteria provided, single submitter. Criteria: CeGaT Center For Human Genetics Tuebingen Variant Classification Criteria Version 2. Collection method: clinical testing. Allele origin: germline. Affected: yes. Observed: 9 variant alleles.
Comment: MYO5B: BP4, BP7, BS2

Fulgent Genetics
Classification: Likely benign for Congenital microvillous atrophy; Cholestasis, progressive familial intrahepatic, 10. Last evaluated: 2021-11-09. Review status: criteria provided, single submitter. Criteria: ACMG Guidelines, 2015. Collection method: clinical testing. Allele origin: unknown.

Illumina Laboratory Services, Illumina
Classification: Likely benign for Congenital microvillous atrophy. Last evaluated: 2018-01-13. Review status: criteria provided, single submitter. Criteria: ICSL Variant Classification Criteria 13 December 2019. Collection method: clinical testing. Allele origin: germline.
Comment: This variant was observed in the ICSL laboratory as part of a predisposition screen in an ostensibly healthy population. It had not been previously curated by ICSL or reported in the Human Gene Mutation Database (HGMD: prior to June 1st, 2018), and was therefore a candidate for classification through an automated scoring system. Utilizing variant allele frequency, disease prevalence and penetrance estimates, and inheritance mode, an automated score was calculated to assess if this variant is too frequent to cause the disease. Based on the score and internal cut-off values, a variant classified as likely benign is not then subjected to further curation. The score for this variant resulted in a classification of likely benign for this disease.

Breakthrough Genomics
Classification: Likely benign. Review status: criteria provided, single submitter. Criteria: ACMG Guidelines, 2015. Collection method: not provided. Allele origin: germline. Inheritance: Autosomal recessive inheritance. Affected: yes.